The following is an entry in ClinVar:

NM_000642.3(AGL):c.2966A>G (p.Gln989Arg)

Gene: AGL (amylo-alpha-1,6-glucosidase and 4-alpha-glucanotransferase; plus strand). Cytogenetic location: 1p21.2.
Variant type: single nucleotide variant.
Coding change: c.2966A>G on transcript NM_000642.3 (MANE Select); coding-DNA position 2966, A replaced by G.
Protein change: p.Gln989Arg; replaces glutamine 989 with arginine.
Molecular consequence: missense variant.
Genome position (GRCh38, 1-based): chr1:99,891,622, A>G. VCF-style: chr1-99891622-A-G. GRCh37 (hg19) VCF-style: chr1-100357178-A-G.
Other names: c.2966A>G, p.Gln989Arg (NM_000028.3, NM_000643.3, NM_000644.3 and 1 more transcripts); c.2918A>G, p.Gln973Arg (NM_000646.3); c.2945A>G, p.Gln982Arg (NM_001425326.1); c.2765A>G, p.Gln922Arg (NM_001425327.1); c.2762A>G, p.Gln921Arg (NM_001425328.1); c.2627A>G, p.Gln876Arg (NM_001425329.1); c.2588A>G, p.Gln863Arg (NM_001425332.1); short protein forms Q989R, Q973R, Q863R, Q876R, Q921R, Q922R, Q982R.
Identifiers: ClinVar variation 291339 (VCV000291339.15), dbSNP rs759461084, ClinGen allele CA966948.

ClinVar aggregate classification (germline): Uncertain significance. Review status: criteria provided, multiple submitters, no conflicts (2 of 4 stars). 7 submissions from 7 submitters: Uncertain significance (6). 1 of the submissions does not count toward it. Last evaluated 2024-04-08.

Conditions:
Inborn genetic diseases. Identifiers: MedGen C0950123, MeSH D030342.
Glycogen storage disease type III (GSD3). Also called: FORBES DISEASE; Cori disease. Identifiers: Orphanet 366, MedGen C0017922, MONDO:0009291, OMIM 232400.

Allele frequency attached by ClinVar (database versions not stated): gnomAD 0.00002 and 0.00003; ExAC 0.00004; gnomAD exomes 0.00004 and 0.00006; TOPMed 0.00004.
gnomAD v4.1: 69 of 1,613,492 alleles (0.0043%); highest among the groups gnomAD compares: South Asian, 0.032%; 1 homozygote.

Submissions (7):

Ambry Genetics
Classification: Uncertain significance for Inborn genetic diseases. Last evaluated: 2024-04-08. Review status: criteria provided, single submitter. Criteria: Ambry Variant Classification Scheme 2023. Collection method: clinical testing. Allele origin: germline.

Blueprint Genetics
Classification: Uncertain significance. Last evaluated: 2023-10-17. Review status: criteria provided, single submitter. Criteria: ACMG Guidelines, 2015. Collection method: clinical testing. Allele origin: germline.

Revvity Omics, Revvity
Classification: Uncertain significance for Glycogen storage disease type III. Last evaluated: 2023-04-28. Review status: criteria provided, single submitter. Criteria: ACMG Guidelines, 2015. Collection method: clinical testing. Allele origin: germline.

Labcorp Genetics (formerly Invitae), Labcorp
Classification: Uncertain significance for Glycogen storage disease type III. Last evaluated: 2022-08-13. Review status: criteria provided, single submitter. Criteria: Invitae Variant Classification Sherloc (09022015). Collection method: clinical testing. Allele origin: germline.
Comment: This sequence change replaces glutamine, which is neutral and polar, with arginine, which is basic and polar, at codon 989 of the AGL protein (p.Gln989Arg). This variant is present in population databases (rs759461084, gnomAD 0.03%). This variant has not been reported in the literature in individuals affected with AGL-related conditions. ClinVar contains an entry for this variant (Variation ID: 291339). Algorithms developed to predict the effect of missense changes on protein structure and function output the following: SIFT: "Tolerated"; PolyPhen-2: "Benign"; Align-GVGD: "Class C0". The arginine amino acid residue is found in multiple mammalian species, which suggests that this missense change does not adversely affect protein function. In summary, the available evidence is currently insufficient to determine the role of this variant in disease. Therefore, it has been classified as a Variant of Uncertain Significance.

Genome-Nilou Lab
Classification: Uncertain significance for Glycogen storage disease type III. Last evaluated: 2021-07-15. Review status: criteria provided, single submitter. Criteria: ACMG Guidelines, 2015. Collection method: clinical testing. Allele origin: germline. Affected: no.

Illumina Laboratory Services, Illumina
Classification: Uncertain significance for Glycogen storage disease type III. Last evaluated: 2018-01-12. Review status: criteria provided, single submitter. Criteria: ICSL Variant Classification Criteria 13 December 2019. Collection method: clinical testing. Allele origin: germline.

Natera, Inc.
Classification: Uncertain significance for Glycogen storage disease type III. Last evaluated: 2019-10-28. Review status: no assertion criteria provided. Collection method: clinical testing. Allele origin: germline. Not counted in ClinVar's aggregate classification.